The following is an entry in ClinVar:

NM_001042492.3(NF1):c.3512A>G (p.Lys1171Arg)

Gene: NF1 (neurofibromin 1; plus strand). Cytogenetic location: 17q11.2.
Variant type: single nucleotide variant.
Coding change: c.3512A>G on transcript NM_001042492.3 (MANE Select); coding-DNA position 3512, A replaced by G.
Protein change: p.Lys1171Arg; replaces lysine 1171 with arginine.
Molecular consequence: missense variant.
Genome position (GRCh38, 1-based): chr17:31,233,017, A>G. VCF-style: chr17-31233017-A-G. GRCh37 (hg19) VCF-style: chr17-29560035-A-G.
Other names: c.3512A>G, p.Lys1171Arg (NM_000267.4); short protein forms K1171R.
Identifiers: ClinVar variation 2907696 (VCV002907696.3), dbSNP rs2151435293, ClinGen allele CA398989700.

ClinVar aggregate classification (germline): Uncertain significance (1 of 4 stars; one submission).

Conditions:
Neurofibromatosis, type 1 (NF1). Also called: VON RECKLINGHAUSEN DISEASE; NEUROFIBROMATOSIS, TYPE I, SOMATIC; Peripheral type neurofibromatosis; Neurofibromatosis, type I. Identifiers: Orphanet 636, MedGen C0027831, MONDO:0018975, OMIM 162200. Disease mechanism: loss of function.

Submission:

Labcorp Genetics (formerly Invitae), Labcorp
Classification: Uncertain significance for Neurofibromatosis, type 1. Last evaluated: 2023-04-04. Review status: criteria provided, single submitter. Criteria: Invitae Variant Classification Sherloc (09022015). Collection method: clinical testing. Allele origin: germline.
Comment: This sequence change replaces lysine, which is basic and polar, with arginine, which is basic and polar, at codon 1171 of the NF1 protein (p.Lys1171Arg). This variant is not present in population databases (gnomAD no frequency). This variant has not been reported in the literature in individuals affected with NF1-related conditions. Advanced modeling of protein sequence and biophysical properties (such as structural, functional, and spatial information, amino acid conservation, physicochemical variation, residue mobility, and thermodynamic stability) performed at Invitae indicates that this missense variant is not expected to disrupt NF1 protein function. In summary, the available evidence is currently insufficient to determine the role of this variant in disease. Therefore, it has been classified as a Variant of Uncertain Significance.